The following is an entry in ClinVar:

ClinVar aggregate classification (germline): Conflicting classifications of pathogenicity. Review status: criteria provided, conflicting classifications (1 of 4 stars). 6 submissions from 6 submitters: Uncertain significance (5); Likely benign (1). Last evaluated 2026-04-30.

Conditions:
Hereditary cancer-predisposing syndrome. Also called: Neoplastic Syndromes, Hereditary; Hereditary Cancer Syndrome; Hereditary neoplastic syndrome; Tumor predisposition. Identifiers: Orphanet 140162, MedGen C0027672, MeSH D009386, MONDO:0015356.
Retinoblastoma (RB1). Also called: RETINOBLASTOMA, SOMATIC. Identifiers: Orphanet 790, MedGen C0035335, MeSH D012175, MONDO:0008380, OMIM 180200, HP:0009919. Disease mechanism: loss of function. Inheritance: Both sporadic and heritable forms are tested..

Allele frequency attached by ClinVar (database versions not stated): TOPMed 0.00002; gnomAD exomes 0.00001 and 0.00003; ExAC 0.00001; gnomAD 0.00001.
gnomAD v4.1: 43 of 1,611,888 alleles (0.0027%); highest among the groups gnomAD compares: Non-Finnish European, 0.0031%; no homozygotes.

Submissions (6):

Ambry Genetics
Classification: Uncertain significance for Hereditary cancer-predisposing syndrome. Last evaluated: 2026-04-30. Review status: criteria provided, single submitter. Criteria: Ambry Variant Classification Scheme 2023. Collection method: clinical testing. Allele origin: germline.
Comment: The p.R451C variant (also known as c.1351C>T), located in coding exon 14 of the RB1 gene, results from a C to T substitution at nucleotide position 1351. The arginine at codon 451 is replaced by cysteine, an amino acid with highly dissimilar properties. This variant was detected as heterozygous in individual(s) with no reported features of RB1-related retinoblastoma (Ambry internal data). This amino acid position is well conserved in available vertebrate species. In addition, this alteration is predicted to be deleterious by in silico analysis. Based on the available evidence, the clinical significance of this variant remains unclear.

Dasa
Classification: Uncertain significance. Last evaluated: 2026-04-01. Review status: criteria provided, single submitter. Criteria: DASA Assertion Criteria. Collection method: clinical testing. Allele origin: germline.
Comment: NM_000321.3(RB1):c.1351C>T (p.Arg451Cys) is a missense variant that results in the substitution of arginine with cysteine. This variant is rare in population databases. Computational prediction algorithms are consistent with a deleterious effect. The currently available literature and clinical evidence are not sufficient to establish a definitive association between this variant and the reported condition. Therefore, this variant is classified as a variant of uncertain significance.

Labcorp Genetics (formerly Invitae), Labcorp
Classification: Likely benign for Retinoblastoma. Last evaluated: 2025-12-24. Review status: criteria provided, single submitter. Criteria: Invitae Variant Classification Sherloc (09022015). Collection method: clinical testing. Allele origin: germline.

All of Us Research Program, National Institutes of Health
Classification: Uncertain significance for Retinoblastoma. Last evaluated: 2023-08-23. Review status: criteria provided, single submitter. Criteria: ACMG Guidelines, 2015. Collection method: clinical testing. Allele origin: germline. Inheritance: Autosomal dominant inheritance. Observed: 2 variant alleles, 2 heterozygotes.
Comment: This missense variant replaces arginine with cysteine at codon 451 of the RB1 protein. Computational prediction suggests that this variant may have deleterious impact on protein structure and function (internally defined REVEL score threshold >= 0.7, PMID: 27666373). To our knowledge, functional studies have not been reported for this variant. This variant has not been reported in individuals affected with RB1-related disorders in the literature. This variant has been identified in 3/249874 chromosomes in the general population by the Genome Aggregation Database (gnomAD). The available evidence is insufficient to determine the role of this variant in disease conclusively. Therefore, this variant is classified as a Variant of Uncertain Significance.

This study involves interpretation of variants in research participants for the purpose of population health screening. Participant phenotype was not available at the time of variant classification. Additional details can be found in publication PMID: 35346344, PMCID: PMC8962531

Color Diagnostics, LLC DBA Color Health
Classification: Uncertain significance for Retinoblastoma. Last evaluated: 2023-08-10. Review status: criteria provided, single submitter. Criteria: ACMG Guidelines, 2015. Collection method: clinical testing. Allele origin: germline.
Comment: This missense variant replaces arginine with cysteine at codon 451 of the RB1 protein. Computational prediction suggests that this variant may have deleterious impact on protein structure and function. To our knowledge, functional studies have not been reported for this variant. This variant has not been reported in individuals affected with RB1-related disorders in the literature. This variant has been identified in 3/249874 chromosomes in the general population by the Genome Aggregation Database (gnomAD). The available evidence is insufficient to determine the role of this variant in disease conclusively. Therefore, this variant is classified as a Variant of Uncertain Significance.

St. Jude Molecular Pathology, St. Jude Children's Research Hospital
Classification: Uncertain significance for Retinoblastoma. Last evaluated: 2023-02-28. Review status: criteria provided, single submitter. Criteria: St. Jude Assertion Criteria 2020. Collection method: clinical testing. Allele origin: germline.
Comment: The RB1 c.1351C>T (p.Arg451Cys) missense change has a maximum founder subpopulation frequency of 0.0046% and a maximum non-founder subpopulation frequency of 0.0018% in gnomAD v2.1.1. The in silico tool REVEL predicts a deleterious effect on protein function, but to our knowledge this prediction has not been confirmed by functional studies. To our knowledge, this variant has not been reported in the literature in individuals with retinoblastoma. In summary, the evidence currently available is insufficient to determine the clinical significance of this variant. It has therefore been classified as of uncertain significance.

NM_000321.3(RB1):c.1351C>T (p.Arg451Cys)

Gene: RB1 (RB transcriptional corepressor 1; plus strand). Cytogenetic location: 13q14.2.
Variant type: single nucleotide variant.
Coding change: c.1351C>T on transcript NM_000321.3 (MANE Select); coding-DNA position 1351, C replaced by T.
Protein change: p.Arg451Cys; replaces arginine 451 with cysteine.
Molecular consequence: missense variant.
Genome position (GRCh38, 1-based): chr13:48,379,612, C>T. VCF-style: chr13-48379612-C-T. GRCh37 (hg19) VCF-style: chr13-48953748-C-T.
Other names: short protein forms R451C.
Identifiers: ClinVar variation 575453 (VCV000575453.20), dbSNP rs759079385, ClinGen allele CA028280.